The following is an entry in ClinVar:

ClinVar aggregate classification (germline): Benign (1 of 4 stars; one submission).

Submission:

GeneDx
Classification: Benign. Last evaluated: 2018-06-19. Review status: criteria provided, single submitter. Criteria: GeneDx Variant Classification (06012015). Collection method: clinical testing. Allele origin: germline. Affected: yes.
Comment: This variant is considered likely benign or benign based on one or more of the following criteria: it is a conservative change, it occurs at a poorly conserved position in the protein, it is predicted to be benign by multiple in silico algorithms, and/or has population frequency not consistent with disease.

NM_022726.4(ELOVL4):c.670-249del

Gene: ELOVL4 (ELOVL fatty acid elongase 4; minus strand). Cytogenetic location: 6q14.1.
Variant type: Deletion.
Coding change: c.670-249del on transcript NM_022726.4 (MANE Select); 249 bases into the intron before coding-DNA position 670, one base deleted (A; older notation c.670-249delA).
Molecular consequence: intron variant.
Genome position (GRCh38, 1-based): chr6:79,917,132, T deleted on the plus strand (A on the coding strand, the reverse complement: ELOVL4 is on the minus strand); the first of 8 consecutive T bases (chr6:79,917,132-79,917,139); deleting any one gives the same sequence. VCF-style (leftmost placement, unchanged base first): chr6-79917131-AT-A. GRCh37 (hg19) VCF-style: chr6-80626848-AT-A.
Identifiers: ClinVar variation 678617 (VCV000678617.1), dbSNP rs35227202, ClinGen allele CA142270694.